The following is an entry in ClinVar:

ClinVar aggregate classification (germline): Uncertain significance (1 of 4 stars; one submission).

Submission:

Labcorp Genetics (formerly Invitae), Labcorp
Classification: Uncertain significance. Last evaluated: 2024-08-11. Review status: criteria provided, single submitter. Criteria: Invitae Variant Classification Sherloc (09022015). Collection method: clinical testing. Allele origin: germline.
Comment: This sequence change affects the initiator methionine of the NFE2L2 mRNA. The next in-frame methionine is located at codon 17. This variant is not present in population databases (gnomAD no frequency). This variant has not been reported in the literature in individuals affected with NFE2L2-related conditions. Experimental studies and prediction algorithms are not available or were not evaluated, and the functional significance of this variant is currently unknown. In summary, the available evidence is currently insufficient to determine the role of this variant in disease. Therefore, it has been classified as a Variant of Uncertain Significance.

NM_006164.5(NFE2L2):c.-11_9del (p.Met1fs)

Genes: NFE2L2 (NFE2 like bZIP transcription factor 2; minus strand), LOC129935169 (ATAC-STARR-seq lymphoblastoid silent region 12145; plus strand). Cytogenetic location: 2q31.2.
Variant type: Deletion.
Coding change: c.-11_9del on transcript NM_006164.5 (MANE Select); 11 bases upstream of the start codon through coding-DNA position 9, 20 bases deleted (CACAGCTCATCATGATGGAC).
Protein change: p.Met1fs; shifts the reading frame from methionine 1.
Molecular consequence: frameshift variant, initiator codon variant.
Genome position (GRCh38, 1-based): chr2:177,264,568-177,264,587, GTCCATCATGATGAGCTGTG deleted on the plus strand (CACAGCTCATCATGATGGAC on the coding strand, the reverse complement: NFE2L2 is on the minus strand); deleting any 20 consecutive bases within chr2:177,264,568-177,264,588 gives the same sequence; the c. name uses the placement nearest the transcript's 3' end. VCF-style (leftmost placement, unchanged base first): chr2-177264567-AGTCCATCATGATGAGCTGTG-A. GRCh37 (hg19) VCF-style: chr2-178129295-AGTCCATCATGATGAGCTGTG-A.
Other names: c.-11_9del, p.Met1fs (NM_001313902.2, NM_001313903.2); short protein forms M1fs.
Identifiers: ClinVar variation 3668425 (VCV003668425.2).
Genomic context (GRCh38, chr2:177,264,567, plus strand): 5'-AGGGCCCAGAGGGCCGAGGCAGCACCTGCTGGGACGGGAGTCCCGGCGGCGGCAGCTCCA[AGTCCATCATGATGAGCTGTG>A]GACCGTGTGTTGGGGCTCCCCGACGGCGGCCCTGTTCCGGCTGCCGAGGCGCGGCGCGGA-3'